The following is an entry in ClinVar:

NM_000639.3(FASLG):c.368C>T (p.Thr123Ile)

Gene: FASLG (Fas ligand; plus strand). Cytogenetic location: 1q24.3.
Variant type: single nucleotide variant.
Coding change: c.368C>T on transcript NM_000639.3 (MANE Select); coding-DNA position 368, C replaced by T.
Protein change: p.Thr123Ile; replaces threonine 123 with isoleucine.
Molecular consequence: missense variant. On other transcripts: intron variant (1).
Genome position (GRCh38, 1-based): chr1:172,660,114, C>T. VCF-style: chr1-172660114-C-T. GRCh37 (hg19) VCF-style: chr1-172629254-C-T.
Other names: c.348+565C>T (NM_001302746.2); short protein forms T123I.
Identifiers: ClinVar variation 2147290 (VCV002147290.2), dbSNP rs200113302, ClinGen allele CA32979028.

ClinVar aggregate classification (germline): Uncertain significance (1 of 4 stars; one submission).

Conditions:
Autoimmune lymphoproliferative syndrome type 1. Also called: AUTOIMMUNE LYMPHOPROLIFERATIVE SYNDROME, TYPE I, AUTOSOMAL DOMINANT. Identifiers: Orphanet 3261, MedGen C2717884, MONDO:0011158, OMIM 601859.

Allele frequency attached by ClinVar (database versions not stated): gnomAD 0.00001; TOPMed 0.00001.
gnomAD v4.1: 4 of 1,614,008 alleles (0.00025%); highest among the groups gnomAD compares: Non-Finnish European, 0.00034%; no homozygotes.

Submission:

Labcorp Genetics (formerly Invitae), Labcorp
Classification: Uncertain significance for Autoimmune lymphoproliferative syndrome. Last evaluated: 2022-10-23. Review status: criteria provided, single submitter. Criteria: Invitae Variant Classification Sherloc (09022015). Collection method: clinical testing. Allele origin: germline.
Comment: In summary, the available evidence is currently insufficient to determine the role of this variant in disease. Therefore, it has been classified as a Variant of Uncertain Significance. Advanced modeling of protein sequence and biophysical properties (such as structural, functional, and spatial information, amino acid conservation, physicochemical variation, residue mobility, and thermodynamic stability) performed at Invitae indicates that this missense variant is not expected to disrupt FASLG protein function. This variant has not been reported in the literature in individuals affected with FASLG-related conditions. This variant is present in population databases (rs200113302, gnomAD 0.0008%). This sequence change replaces threonine, which is neutral and polar, with isoleucine, which is neutral and non-polar, at codon 123 of the FASLG protein (p.Thr123Ile).